The following is an entry in ClinVar:

NM_005591.4(MRE11):c.1201C>T (p.His401Tyr)

Gene: MRE11 (MRE11 double strand break repair nuclease; minus strand). Cytogenetic location: 11q21.
Variant type: single nucleotide variant.
Coding change: c.1201C>T on transcript NM_005591.4 (MANE Select); coding-DNA position 1201, C replaced by T.
Protein change: p.His401Tyr; replaces histidine 401 with tyrosine.
Molecular consequence: missense variant.
Genome position (GRCh38, 1-based): chr11:94,464,137, G>A on the plus strand (C>T on the coding strand, the complement: MRE11 is on the minus strand). VCF-style: chr11-94464137-G-A. GRCh37 (hg19) VCF-style: chr11-94197303-G-A.
Other names: c.1201C>T, p.His401Tyr (NM_001330347.2, NM_005590.4); short protein forms H401Y.
Identifiers: ClinVar variation 481783 (VCV000481783.9), dbSNP rs876660542, ClinGen allele CA382372720.

ClinVar aggregate classification (germline): Uncertain significance. Review status: criteria provided, multiple submitters, no conflicts (2 of 4 stars). 2 submissions from 2 submitters: Uncertain significance (2). Last evaluated 2024-04-17.

Conditions:
Ataxia-telangiectasia-like disorder (ATLD). Identifiers: MedGen C1858391, MONDO:0011457.
Hereditary cancer-predisposing syndrome. Also called: Neoplastic Syndromes, Hereditary; Tumor predisposition; Hereditary Cancer Syndrome; Hereditary neoplastic syndrome. Identifiers: Orphanet 140162, MedGen C0027672, MeSH D009386, MONDO:0015356.

Submissions (2):

Ambry Genetics
Classification: Uncertain significance for Hereditary cancer-predisposing syndrome. Last evaluated: 2024-04-17. Review status: criteria provided, single submitter. Criteria: Ambry Variant Classification Scheme 2023. Collection method: clinical testing. Allele origin: germline.
Comment: The p.H401Y variant (also known as c.1201C>T), located in coding exon 10 of the MRE11A gene, results from a C to T substitution at nucleotide position 1201. The histidine at codon 401 is replaced by tyrosine, an amino acid with similar properties. This amino acid position is not well conserved in available vertebrate species. In addition, this alteration is predicted to be tolerated by in silico analysis. Since supporting evidence is limited at this time, the clinical significance of this alteration remains unclear.

Labcorp Genetics (formerly Invitae), Labcorp
Classification: Uncertain significance for Ataxia-telangiectasia-like disorder. Last evaluated: 2023-04-19. Review status: criteria provided, single submitter. Criteria: Invitae Variant Classification Sherloc (09022015). Collection method: clinical testing. Allele origin: germline.
Comment: In summary, the available evidence is currently insufficient to determine the role of this variant in disease. Therefore, it has been classified as a Variant of Uncertain Significance. An algorithm developed to predict the effect of missense changes on protein structure and function (PolyPhen-2) suggests that this variant is likely to be tolerated. ClinVar contains an entry for this variant (Variation ID: 481783). This variant has not been reported in the literature in individuals affected with MRE11-related conditions. This variant is not present in population databases (gnomAD no frequency). This sequence change replaces histidine, which is basic and polar, with tyrosine, which is neutral and polar, at codon 401 of the MRE11 protein (p.His401Tyr).